The following is an entry in ClinVar:

ClinVar aggregate classification (germline): Uncertain significance. Review status: criteria provided, multiple submitters, no conflicts (2 of 4 stars). 2 submissions from 2 submitters: Uncertain significance (2). Last evaluated 2025-06-02.

Conditions:
Hereditary cancer-predisposing syndrome. Also called: Hereditary neoplastic syndrome; Neoplastic Syndromes, Hereditary; Tumor predisposition; Hereditary Cancer Syndrome. Identifiers: Orphanet 140162, MedGen C0027672, MeSH D009386, MONDO:0015356.

Submissions (2):

Color Diagnostics, LLC DBA Color Health
Classification: Uncertain significance for Hereditary cancer-predisposing syndrome. Last evaluated: 2025-06-02. Review status: criteria provided, single submitter. Criteria: ACMG Guidelines, 2015. Collection method: clinical testing. Allele origin: germline.
Comment: This missense variant replaces alanine with glycine at codon 1617 of the BRCA1 protein. Computational prediction is inconclusive regarding the impact of this variant on protein structure and function. A functional study has reported this variant as functional in a homology-directed DNA repair assay (PMID: 35196514). This variant has not been reported in individuals affected with BRCA1-related disorders in the literature. This variant has not been identified in the general population by the Genome Aggregation Database (gnomAD). The available evidence is insufficient to determine the role of this variant in disease conclusively. Therefore, this variant is classified as a Variant of Uncertain Significance.

Ambry Genetics
Classification: Uncertain significance for Hereditary cancer-predisposing syndrome. Last evaluated: 2025-01-20. Review status: criteria provided, single submitter. Criteria: Ambry Variant Classification Scheme 2023. Collection method: clinical testing. Allele origin: germline.
Comment: The p.A1617G variant (also known as c.4850C>G), located in coding exon 14 of the BRCA1 gene, results from a C to G substitution at nucleotide position 4850. The alanine at codon 1617 is replaced by glycine, an amino acid with similar properties. This variant was functional in a homology directed repair and cisplatin resistance protein functional assay (Adamovich AI et al. Am J Hum Genet, 2022 Apr;109:618-630). This amino acid position is not well conserved in available vertebrate species. In addition, the in silico prediction for this alteration is inconclusive. Based on the available evidence, the clinical significance of this variant remains unclear.

Literature cited by the submitters: PubMed 35196514 (cited by Color Diagnostics, LLC DBA Color Health and Ambry Genetics).

NM_007294.4(BRCA1):c.4850C>G (p.Ala1617Gly)

Gene: BRCA1 (BRCA1 DNA repair associated; minus strand). Cytogenetic location: 17q21.31.
Variant type: single nucleotide variant.
Coding change: c.4850C>G on transcript NM_007294.4 (MANE Select); coding-DNA position 4850, C replaced by G.
Protein change: p.Ala1617Gly; replaces alanine 1617 with glycine.
Molecular consequence: missense variant. On other transcripts: intron variant (1).
Genome position (GRCh38, 1-based): chr17:43,071,064, G>C on the plus strand (C>G on the coding strand, the complement: BRCA1 is on the minus strand). VCF-style: chr17-43071064-G-C. GRCh37 (hg19) VCF-style: chr17-41223081-G-C.
Other names: c.4844C>G, p.Ala1615Gly (NM_001407627.1, NM_001407628.1, NM_001407629.1 and 14 more transcripts); c.4637C>G, p.Ala1546Gly (NM_001407571.1, NM_001407894.1, NM_001407895.1 and 12 more transcripts); c.4916C>G, p.Ala1639Gly (NM_001407581.1, NM_001407582.1); c.4913C>G, p.Ala1638Gly (NM_001407583.1, NM_001407585.1, NM_001407587.1 and 1 more transcripts); c.4910C>G, p.Ala1637Gly (NM_001407590.1, NM_001407591.1); c.4850C>G, p.Ala1617Gly (NM_001407593.1, NM_001407594.1, NM_001407596.1 and 8 more transcripts); c.4847C>G, p.Ala1616Gly (NM_001407610.1, NM_001407611.1, NM_001407612.1 and 17 more transcripts); c.4841C>G, p.Ala1614Gly (NM_001407644.1, NM_001407645.1); and 71 more; short protein forms A1321G, A1528G, A1546G, A1547G, A1548G, A1550G, A1573G, A1612G.
Identifiers: ClinVar variation 3825298 (VCV003825298.2).
Genomic context (GRCh38, chr17:43,071,064, plus strand): 5'-GGCTTCTCCCTGCTCACACTTTCTTCCATTGCATTATACCCAGCAGTATCAGTAGTATGA[G>C]CAGCAGCTGGACTCTGGGCAGATTCTGCAACTTTCAATTGGGGAACTTTCAATGCAGAGG-3'
Protein context (NP_009225.1, residues 1607-1627): VAESAQSPAA[Ala1617Gly]HTTDTAGYNA